The following is an entry in ClinVar:

ClinVar aggregate classification (germline): Uncertain significance (1 of 4 stars; one submission).

Submission:

Labcorp Genetics (formerly Invitae), Labcorp
Classification: Uncertain significance. Last evaluated: 2024-04-04. Review status: criteria provided, single submitter. Criteria: Invitae Variant Classification Sherloc (09022015). Collection method: clinical testing. Allele origin: germline.
Comment: This sequence change creates a premature translational stop signal (p.Leu516*) in the SAMD9L gene. While this is not anticipated to result in nonsense mediated decay, it is expected to disrupt the last 1069 amino acid(s) of the SAMD9L protein. This variant is not present in population databases (gnomAD no frequency). This variant has not been reported in the literature in individuals affected with SAMD9L-related conditions. Experimental studies and prediction algorithms are not available or were not evaluated, and the functional significance of this variant is currently unknown. In summary, the available evidence is currently insufficient to determine the role of this variant in disease. Therefore, it has been classified as a Variant of Uncertain Significance.

NM_152703.5(SAMD9L):c.1547T>A (p.Leu516Ter)

Gene: SAMD9L (sterile alpha motif domain containing 9 like; minus strand). Cytogenetic location: 7q21.2.
Variant type: single nucleotide variant.
Coding change: c.1547T>A on transcript NM_152703.5 (MANE Select); coding-DNA position 1547, T replaced by A.
Protein change: p.Leu516Ter; replaces leucine 516 with a stop codon.
Molecular consequence: nonsense.
Genome position (GRCh38, 1-based): chr7:93,134,425, A>T on the plus strand (T>A on the coding strand, the complement: SAMD9L is on the minus strand). VCF-style: chr7-93134425-A-T. GRCh37 (hg19) VCF-style: chr7-92763738-A-T.
Other names: c.1547T>A, p.Leu516Ter (NM_001303496.3, NM_001303497.3, NM_001303498.3 and 5 more transcripts); short protein forms L516*.
Identifiers: ClinVar variation 3647733 (VCV003647733.2).